The following is an entry in ClinVar:

NM_000497.4(CYP11B1):c.1265G>A (p.Arg422His)

Genes: CYP11B1 (cytochrome P450 family 11 subfamily B member 1; minus strand), LOC106799833 (CYP11B1 recombination region; plus strand). Cytogenetic location: 8q24.3.
Variant type: single nucleotide variant.
Coding change: c.1265G>A on transcript NM_000497.4 (MANE Select); coding-DNA position 1265, G replaced by A.
Protein change: p.Arg422His; replaces arginine 422 with histidine.
Molecular consequence: missense variant. On other transcripts: intron variant (1).
Genome position (GRCh38, 1-based): chr8:142,875,090, C>T on the plus strand (G>A on the coding strand, the complement: CYP11B1 is on the minus strand). VCF-style: chr8-142875090-C-T. GRCh37 (hg19) VCF-style: chr8-143956506-C-T.
Other names: c.1265G>A (NM_000497.3); c.1200+144G>A (NM_001026213.1); short protein forms R422H.
Identifiers: ClinVar variation 2036661 (VCV002036661.2), dbSNP rs369813641, ClinGen allele CA4905040.
Genomic context (GRCh38, chr8:142,875,090, plus strand): 5'-GGCACGTGGTAGAAGTTCCTGCCGGAGCCCCTGATGTCTAGCCAGCGCTGGGGGTTATAG[C>T]GCTCAGGCCTCGGGAACAAGGCGGGGTTGCGACCCAGAGAGTAGAGGAACACGCGCACCA-3'
Protein context (NP_000488.3, residues 412-432): RNPALFPRPE[Arg422His]YNPQRWLDIR

ClinVar aggregate classification (germline): Uncertain significance. Review status: criteria provided, multiple submitters, no conflicts (2 of 4 stars). 2 submissions from 2 submitters: Uncertain significance (2). Last evaluated 2025-08-20.

Conditions:
Inborn genetic diseases. Identifiers: MedGen C0950123, MeSH D030342.

gnomAD v4.1: 42 of 1,614,136 alleles (0.0026%); highest among the groups gnomAD compares: South Asian, 0.0099%; no homozygotes.

Submissions (2):

Ambry Genetics
Classification: Uncertain significance for Inborn genetic diseases. Last evaluated: 2025-08-20. Review status: criteria provided, single submitter. Criteria: Ambry Variant Classification Scheme 2023. Collection method: clinical testing. Allele origin: germline.

Labcorp Genetics (formerly Invitae), Labcorp
Classification: Uncertain significance. Last evaluated: 2022-01-19. Review status: criteria provided, single submitter. Criteria: Invitae Variant Classification Sherloc (09022015). Collection method: clinical testing. Allele origin: germline.
Comment: This sequence change replaces arginine, which is basic and polar, with histidine, which is basic and polar, at codon 422 of the CYP11B1 protein (p.Arg422His). This variant is present in population databases (rs369813641, gnomAD 0.01%). This variant has not been reported in the literature in individuals affected with CYP11B1-related conditions. Advanced modeling of protein sequence and biophysical properties (such as structural, functional, and spatial information, amino acid conservation, physicochemical variation, residue mobility, and thermodynamic stability) performed at Invitae indicates that this missense variant is not expected to disrupt CYP11B1 protein function. In summary, the available evidence is currently insufficient to determine the role of this variant in disease. Therefore, it has been classified as a Variant of Uncertain Significance.